The following is an entry in ClinVar:

NM_000211.5(ITGB2):c.1725C>T (p.Cys575=)

Gene: ITGB2 (integrin subunit beta 2; minus strand). Cytogenetic location: 21q22.3.
Variant type: single nucleotide variant.
Coding change: c.1725C>T on transcript NM_000211.5 (MANE Select); coding-DNA position 1725, C replaced by T.
Protein change: p.Cys575=; no amino-acid change (cysteine 575 retained).
Molecular consequence: synonymous variant.
Genome position (GRCh38, 1-based): chr21:44,889,428, G>A on the plus strand (C>T on the coding strand, the complement: ITGB2 is on the minus strand). VCF-style: chr21-44889428-G-A. GRCh37 (hg19) VCF-style: chr21-46309343-G-A.
Other names: c.1725C>T (LRG_76t1); c.1725C>T, p.Cys575= (NM_001127491.3); c.1518C>T, p.Cys506= (NM_001303238.2).
Identifiers: ClinVar variation 340147 (VCV000340147.17), dbSNP rs373452460, ClinGen allele CA10062721.

ClinVar aggregate classification (germline): Conflicting classifications of pathogenicity. Review status: criteria provided, conflicting classifications (1 of 4 stars). 4 submissions from 4 submitters: Uncertain significance (1); Benign (1); Likely benign (2). Last evaluated 2026-06-27.

Conditions:
Leukocyte adhesion deficiency 1 (LAD1). Also called: LEUKOCYTE ADHESION DEFICIENCY, TYPE I; LAD 1; Lymphocyte function-associated antigen 1 immunodeficiency; LFA 1 immunodeficiency. Identifiers: Orphanet 2968, Orphanet 99842, MedGen C0398738, MONDO:0007293, OMIM 116920.
ITGB2-related disorder. Also called: ITGB2-related condition.

Allele frequency attached by ClinVar (database versions not stated): ESP Exome Variant Server 0.00008; gnomAD 0.00009 and 0.00010; gnomAD exomes 0.00011 and 0.00020; TOPMed 0.00013; ExAC 0.00020.
gnomAD v4.1: 195 of 1,608,992 alleles (0.012%); highest among the groups gnomAD compares: Admixed American, 0.013%; 1 homozygote.

Submissions (4):

PreventionGenetics, part of Exact Sciences
Classification: Likely benign for ITGB2-related condition. Last evaluated: 2026-06-27. Review status: criteria provided, single submitter. Criteria: ACMG Guidelines, 2015. Collection method: clinical testing. Allele origin: germline.
Comment: This variant is classified as likely benign based on ACMG/AMP sequence variant interpretation guidelines (Richards et al. 2015 PMID: 25741868, with internal and published modifications).

Labcorp Genetics (formerly Invitae), Labcorp
Classification: Benign for Leukocyte adhesion deficiency 1. Last evaluated: 2026-01-06. Review status: criteria provided, single submitter. Criteria: Invitae Variant Classification Sherloc (09022015). Collection method: clinical testing. Allele origin: germline.

Blueprint Genetics
Classification: Likely benign. Last evaluated: 2024-08-20. Review status: criteria provided, single submitter. Criteria: ACMG Guidelines, 2015. Collection method: clinical testing. Allele origin: germline.

Illumina Laboratory Services, Illumina
Classification: Uncertain significance for Leukocyte adhesion deficiency 1. Last evaluated: 2018-01-12. Review status: criteria provided, single submitter. Criteria: ICSL Variant Classification Criteria 13 December 2019. Collection method: clinical testing. Allele origin: germline.